The following is an entry in ClinVar:

NM_182476.3(COQ6):c.689C>G (p.Ser230Cys)

Genes: COQ6 (coenzyme Q6, monooxygenase; plus strand), ENTPD5 (ectonucleoside triphosphate diphosphohydrolase 5; minus strand). Cytogenetic location: 14q24.3.
Variant type: single nucleotide variant.
Coding change: c.689C>G on transcript NM_182476.3 (MANE Select); coding-DNA position 689, C replaced by G.
Protein change: p.Ser230Cys; replaces serine 230 with cysteine.
Molecular consequence: missense variant. On other transcripts: 3 prime UTR variant (3), intron variant (2).
Genome position (GRCh38, 1-based): chr14:73,959,047, C>G. VCF-style: chr14-73959047-C-G. GRCh37 (hg19) VCF-style: chr14-74425750-C-G.
Other names: c.689C>G, p.Ser230Cys (NM_001425255.1, NM_001425256.1); c.524C>G, p.Ser175Cys (NM_001425257.1); c.614C>G, p.Ser205Cys (NM_001425258.1, NM_182480.3); c.464C>G, p.Ser155Cys (NM_001425259.1, NM_001425260.1, NM_001425261.1); c.434C>G, p.Ser145Cys (NM_001425262.1); c.362C>G, p.Ser121Cys (NM_001425263.1); c.149C>G, p.Ser50Cys (NM_001425264.1, NM_001425265.1); c.*483G>C (NM_001330189.2, NM_001382259.1, NM_001382260.1); and 2 more; short protein forms S230C, S205C.
Identifiers: ClinVar variation 2023537 (VCV002023537.4), dbSNP rs2503067400, ClinGen allele CA390375477.

ClinVar aggregate classification (germline): Uncertain significance (1 of 4 stars; one submission).

Submission:

Labcorp Genetics (formerly Invitae), Labcorp
Classification: Uncertain significance. Last evaluated: 2024-10-16. Review status: criteria provided, single submitter. Criteria: Invitae Variant Classification Sherloc (09022015). Collection method: clinical testing. Allele origin: germline.
Comment: This sequence change replaces serine, which is neutral and polar, with cysteine, which is neutral and slightly polar, at codon 230 of the COQ6 protein (p.Ser230Cys). This variant is not present in population databases (gnomAD no frequency). This variant has not been reported in the literature in individuals affected with COQ6-related conditions. ClinVar contains an entry for this variant (Variation ID: 2023537). Invitae Evidence Modeling of protein sequence and biophysical properties (such as structural, functional, and spatial information, amino acid conservation, physicochemical variation, residue mobility, and thermodynamic stability) indicates that this missense variant is not expected to disrupt COQ6 protein function with a negative predictive value of 80%. In summary, the available evidence is currently insufficient to determine the role of this variant in disease. Therefore, it has been classified as a Variant of Uncertain Significance.